The following is an entry in ClinVar:

ClinVar aggregate classification (germline): Likely benign (1 of 4 stars; one submission).

gnomAD v4.1: 4 of 1,614,078 alleles (0.00025%); highest among the groups gnomAD compares: Middle Eastern, 0.016%; no homozygotes.

Submission:

CeGaT Center for Human Genetics Tuebingen
Classification: Likely benign. Last evaluated: 2025-10-01. Review status: criteria provided, single submitter. Criteria: CeGaT Center For Human Genetics Tuebingen Variant Classification Criteria Version 2. Collection method: clinical testing. Allele origin: germline. Affected: yes. Observed: 1 variant allele.
Comment: SHANK2: BP4, BP7

NM_012309.5(SHANK2):c.4353G>A (p.Leu1451=)

Gene: SHANK2 (SH3 and multiple ankyrin repeat domains 2; minus strand). Cytogenetic location: 11q13.3.
Variant type: single nucleotide variant.
Coding change: c.4353G>A on transcript NM_012309.5 (MANE Select); coding-DNA position 4353, G replaced by A.
Protein change: p.Leu1451=; no amino-acid change (leucine 1451 retained).
Molecular consequence: synonymous variant.
Genome position (GRCh38, 1-based): chr11:70,485,940, C>T on the plus strand (G>A on the coding strand, the complement: SHANK2 is on the minus strand). VCF-style: chr11-70485940-C-T. GRCh37 (hg19) VCF-style: chr11-70332045-C-T.
Other names: c.3216G>A, p.Leu1072= (NM_001379226.1); c.4473G>A, p.Leu1491= (NM_001441024.1); c.4302G>A, p.Leu1434= (NM_001441025.1, NM_001441026.1, NM_001441027.1 and 8 more transcripts); c.4275G>A, p.Leu1425= (NM_001441035.1, NM_001441036.1, NM_001441037.1); c.4230G>A, p.Leu1410= (NM_001441038.1); c.3186G>A, p.Leu1062= (NM_001441040.1); c.3138G>A, p.Leu1046= (NM_001441041.1); c.2580G>A, p.Leu860= (NM_001441042.1); and 6 more.
Identifiers: ClinVar variation 4535059 (VCV004535059.6).